The following is an entry in ClinVar:

ClinVar aggregate classification (germline): Uncertain significance. Review status: criteria provided, multiple submitters, no conflicts (2 of 4 stars). 7 submissions from 7 submitters: Uncertain significance (7). Last evaluated 2026-05-06.

Conditions:
PLEC-related disorder. Also called: PLEC-related condition; PLEC-related disorders.
Epidermolysis bullosa simplex 5C, with pyloric atresia (EBS5C). Also called: PLEC-Related Epidermolysis Bullosa with Pyloric Atresia; Epidermolysis bullosa simplex with pyloric atresia; PLEC1-Related Epidermolysis Bullosa with Pyloric Atresia. Identifiers: Orphanet 158684, MedGen C2677349, MONDO:0012807, OMIM 612138.
Epidermolysis bullosa simplex with nail dystrophy (EBS5D). Identifiers: MedGen C4225309, MONDO:0014661, OMIM 616487.
Autosomal recessive limb-girdle muscular dystrophy type 2Q (LGMDR17). Also called: MUSCULAR DYSTROPHY, LIMB-GIRDLE, AUTOSOMAL RECESSIVE 17. Identifiers: Orphanet 254361, MedGen C3150989, MONDO:0013390, OMIM 613723.
Epidermolysis bullosa simplex, Ogna type (EBS5A). Also called: Pidermolysis bullosa simplex 5A, Ogna type; EPIDERMOLYSIS BULLOSA SIMPLEX 5A, OGNA TYPE. Identifiers: Orphanet 79401, MedGen C0432317, MONDO:0007555, OMIM 131950.
Epidermolysis bullosa simplex 5B, with muscular dystrophy (EBS5B). Also called: EPIDERMOLYSIS BULLOSA SIMPLEX AND LIMB-GIRDLE MUSCULAR DYSTROPHY; Epidermolysis bullosa simplex with muscular dystrophy. Identifiers: Orphanet 257, MedGen C2931072, MONDO:0009181, OMIM 226670.
Inborn genetic diseases. Identifiers: MedGen C0950123, MeSH D030342.

Allele frequency attached by ClinVar (database versions not stated): gnomAD 0.00005 and 0.00006; TOPMed 0.00011; ESP Exome Variant Server 0.00015.
gnomAD v4.1: 139 of 1,611,134 alleles (0.0086%); highest among the groups gnomAD compares: Middle Eastern, 0.4%; no homozygotes.

Submissions (7):

PreventionGenetics, part of Exact Sciences
Classification: Uncertain significance for PLEC-related condition. Last evaluated: 2026-05-06. Review status: criteria provided, single submitter. Criteria: ACMG Guidelines, 2015. Collection method: clinical testing. Allele origin: germline.
Comment: The PLEC c.10916G>A variant is predicted to result in the amino acid substitution p.Arg3639Gln. To our knowledge, this variant has not been reported in the literature. This variant is reported in 0.011% of alleles in individuals of European (Non-Finnish) descent in gnomAD. At this time, the clinical significance of this variant is uncertain due to the absence of conclusive functional and genetic evidence.

Labcorp Genetics (formerly Invitae), Labcorp
Classification: Uncertain significance for Autosomal recessive limb-girdle muscular dystrophy type 2Q; Epidermolysis bullosa simplex, Ogna type; Epidermolysis bullosa simplex with nail dystrophy; Epidermolysis bullosa simplex 5C, with pyloric atresia; Epidermolysis bullosa simplex 5B, with muscular dystrophy. Last evaluated: 2026-01-26. Review status: criteria provided, single submitter. Criteria: Invitae Variant Classification Sherloc (09022015). Collection method: clinical testing. Allele origin: germline.
Comment: This sequence change replaces arginine, which is basic and polar, with glutamine, which is neutral and polar, at codon 3639 of the PLEC protein (p.Arg3639Gln). This variant is present in population databases (rs369226598, gnomAD 0.02%). This variant has not been reported in the literature in individuals affected with PLEC-related conditions. ClinVar contains an entry for this variant (Variation ID: 285678). An algorithm developed to predict the effect of missense changes on protein structure and function (PolyPhen-2) suggests that this variant is likely to be tolerated. In summary, the available evidence is currently insufficient to determine the role of this variant in disease. Therefore, it has been classified as a Variant of Uncertain Significance.

Women's Health and Genetics/Laboratory Corporation of America, LabCorp
Classification: Uncertain significance. Last evaluated: 2025-06-19. Review status: criteria provided, single submitter. Criteria: LabCorp Variant Classification Summary - May 2015. Collection method: clinical testing. Allele origin: germline.
Comment: Variant summary: PLEC c.10916G>A (p.Arg3639Gln) results in a conservative amino acid change in the encoded protein sequence. Algorithms developed to predict the effect of missense changes on protein structure and function all suggest that this variant is likely to be tolerated. The variant allele was found at a frequency of 9.3e-05 in 247054 control chromosomes. This frequency is not significantly higher than estimated for a pathogenic variant in PLEC causing Epidermolysis bullosa simplex 5C, with pyloric atresia (9.3e-05 vs 0.0061), allowing no conclusion about variant significance. To our knowledge, no occurrence of c.10916G>A in individuals affected with PLEC-related disorders and no experimental evidence demonstrating its impact on protein function have been reported. ClinVar contains an entry for this variant (Variation ID: 285678). Based on the evidence outlined above, the variant was classified as uncertain significance.

Ambry Genetics
Classification: Uncertain significance for Inborn genetic diseases. Last evaluated: 2022-11-07. Review status: criteria provided, single submitter. Criteria: Ambry Variant Classification Scheme 2023. Collection method: clinical testing. Allele origin: germline.

Revvity Omics, Revvity
Classification: Uncertain significance. Last evaluated: 2021-09-06. Review status: criteria provided, single submitter. Criteria: ACMG Guidelines, 2015. Collection method: clinical testing. Allele origin: germline.

Eurofins Ntd Llc (ga)
Classification: Uncertain significance. Last evaluated: 2016-05-09. Review status: criteria provided, single submitter. Criteria: EGL Classification Definitions 2015. Collection method: clinical testing. Allele origin: germline. Observed: 4 variant alleles, 4 heterozygotes.

Breakthrough Genomics
Classification: Uncertain significance. Review status: criteria provided, single submitter. Criteria: ACMG Guidelines, 2015. Collection method: not provided. Allele origin: germline. Inheritance: Autosomal recessive inheritance. Affected: yes.

NM_201384.3(PLEC):c.10835G>A (p.Arg3612Gln)

Gene: PLEC (plectin; minus strand). Cytogenetic location: 8q24.3.
Variant type: single nucleotide variant.
Coding change: c.10835G>A on transcript NM_201384.3 (MANE Select); coding-DNA position 10835, G replaced by A.
Protein change: p.Arg3612Gln; replaces arginine 3612 with glutamine.
Molecular consequence: missense variant.
Genome position (GRCh38, 1-based): chr8:143,918,986, C>T on the plus strand (G>A on the coding strand, the complement: PLEC is on the minus strand). VCF-style: chr8-143918986-C-T. GRCh37 (hg19) VCF-style: chr8-144993154-C-T.
Other names: c.10916G>A, p.Arg3639Gln (NM_000445.5); c.10793G>A, p.Arg3598Gln (NM_201378.4); c.10769G>A, p.Arg3590Gln (NM_201379.3); c.11246G>A, p.Arg3749Gln (NM_201380.4); c.10739G>A, p.Arg3580Gln (NM_201381.3); c.10835G>A, p.Arg3612Gln (NM_201382.4); c.10847G>A, p.Arg3616Gln (NM_201383.3); c.10916G>A (NM_000445.3); short protein forms R3580Q, R3749Q, R3612Q, R3598Q, R3616Q, R3590Q, R3639Q.
Identifiers: ClinVar variation 285678 (VCV000285678.19), dbSNP rs369226598, ClinGen allele CA4924520.